The following is an entry in ClinVar:

ClinVar aggregate classification (germline): Uncertain significance (1 of 4 stars; one submission).

Conditions:
Peroxisome biogenesis disorder. Identifiers: Orphanet 79189, MedGen C1832200, MONDO:0019234. Disease mechanism: loss of function.

Allele frequency attached by ClinVar (database versions not stated): gnomAD 0.00002; 1000 Genomes Project 30x 0.00016; 1000 Genomes Project 0.00020.
gnomAD v4.1: 3 of 1,614,164 alleles (0.00019%); highest among the groups gnomAD compares: East Asian, 0.0067%; no homozygotes.

Submission:

Labcorp Genetics (formerly Invitae), Labcorp
Classification: Uncertain significance for Peroxisome biogenesis disorder. Last evaluated: 2022-02-11. Review status: criteria provided, single submitter. Criteria: Invitae Variant Classification Sherloc (09022015). Collection method: clinical testing. Allele origin: germline.
Comment: This sequence change replaces glutamic acid, which is acidic and polar, with aspartic acid, which is acidic and polar, at codon 772 of the PEX6 protein (p.Glu772Asp). This variant is present in population databases (rs567401913, gnomAD 0.1%). This variant has not been reported in the literature in individuals affected with PEX6-related conditions. Algorithms developed to predict the effect of missense changes on protein structure and function (SIFT, PolyPhen-2, Align-GVGD) all suggest that this variant is likely to be disruptive. In summary, the available evidence is currently insufficient to determine the role of this variant in disease. Therefore, it has been classified as a Variant of Uncertain Significance.

NM_000287.4(PEX6):c.2316G>T (p.Glu772Asp)

Gene: PEX6 (peroxisomal biogenesis factor 6; minus strand). Cytogenetic location: 6p21.1.
Variant type: single nucleotide variant.
Coding change: c.2316G>T on transcript NM_000287.4 (MANE Select); coding-DNA position 2316, G replaced by T.
Protein change: p.Glu772Asp; replaces glutamic acid 772 with aspartic acid.
Molecular consequence: missense variant.
Genome position (GRCh38, 1-based): chr6:42,966,090, C>A on the plus strand (G>T on the coding strand, the complement: PEX6 is on the minus strand). VCF-style: chr6-42966090-C-A. GRCh37 (hg19) VCF-style: chr6-42933828-C-A.
Other names: c.2052G>T, p.Glu684Asp (NM_001316313.2); short protein forms E684D, E772D.
Identifiers: ClinVar variation 2071554 (VCV002071554.1), dbSNP rs567401913, ClinGen allele CA138222791.
Genomic context (GRCh38, chr6:42,966,090, plus strand): 5'-CCCTGCTCACTCACCTTCCCGCACATTCTCCTCACTTTGGCCCACATACATGTTAATGAG[C>A]TCTGGCCCCTTCACGCTGAGTGAGAGGATGTGAGAAGGTGAGAGCCGTCAGATGCACATA-3'
Protein context (NP_000278.3, residues 762-782): SLTFLSVKGP[Glu772Asp]LINMYVGQSE